The following is an entry in ClinVar:

NM_001283009.2(RTEL1):c.2893G>A (p.Glu965Lys)

Genes: RTEL1-TNFRSF6B (RTEL1-TNFRSF6B readthrough (NMD candidate); plus strand), RTEL1 (regulator of telomere elongation helicase 1; plus strand). Cytogenetic location: 20q13.33.
Variant type: single nucleotide variant.
Coding change: c.2893G>A on transcript NM_001283009.2 (MANE Select); coding-DNA position 2893, G replaced by A.
Protein change: p.Glu965Lys; replaces glutamic acid 965 with lysine.
Molecular consequence: missense variant. On other transcripts: non-coding transcript variant (1).
Genome position (GRCh38, 1-based): chr20:63,693,184, G>A. VCF-style: chr20-63693184-G-A. GRCh37 (hg19) VCF-style: chr20-62324537-G-A.
Other names: c.2224G>A, p.Glu742Lys (NM_001283010.1); c.2893G>A, p.Glu965Lys (NM_016434.4); c.2965G>A, p.Glu989Lys (NM_032957.5); short protein forms E742K, E965K, E989K.
Identifiers: ClinVar variation 3763656 (VCV003763656.3).

ClinVar aggregate classification (germline): Uncertain significance. Review status: criteria provided, multiple submitters, no conflicts (2 of 4 stars). 2 submissions from 2 submitters: Uncertain significance (2). Last evaluated 2025-07-02.

Conditions:
Pulmonary fibrosis and/or bone marrow failure, Telomere-related, 3. Also called: PULMONARY FIBROSIS AND/OR BONE MARROW FAILURE SYNDROME, TELOMERE-RELATED, 3. Identifiers: Orphanet 2032, MedGen C4225346, MONDO:0014613, OMIM 616373.
Dyskeratosis congenita, autosomal recessive 5 (DKCB5). Identifiers: MedGen C3554656, MONDO:0014076, OMIM 615190.
Inborn genetic diseases. Identifiers: MedGen C0950123, MeSH D030342.

Submissions (2):

Labcorp Genetics (formerly Invitae), Labcorp
Classification: Uncertain significance for Dyskeratosis congenita, autosomal recessive 5; Pulmonary fibrosis and/or bone marrow failure, Telomere-related, 3. Last evaluated: 2025-07-02. Review status: criteria provided, single submitter. Criteria: Invitae Variant Classification Sherloc (09022015). Collection method: clinical testing. Allele origin: germline.
Comment: This sequence change replaces glutamic acid, which is acidic and polar, with lysine, which is basic and polar, at codon 965 of the RTEL1 protein (p.Glu965Lys). This variant is not present in population databases (gnomAD no frequency). This variant has not been reported in the literature in individuals affected with RTEL1-related conditions. ClinVar contains an entry for this variant (Variation ID: 3763656). An algorithm developed to predict the effect of missense changes on protein structure and function (PolyPhen-2) suggests that this variant is likely to be tolerated. In summary, the available evidence is currently insufficient to determine the role of this variant in disease. Therefore, it has been classified as a Variant of Uncertain Significance.

Ambry Genetics
Classification: Uncertain significance for Inborn genetic diseases. Last evaluated: 2025-03-26. Review status: criteria provided, single submitter. Criteria: Ambry Variant Classification Scheme 2023. Collection method: clinical testing. Allele origin: germline.
Comment: The p.E965K variant (also known as c.2893G>A), located in coding exon 29 of the RTEL1 gene, results from a G to A substitution at nucleotide position 2893. The glutamic acid at codon 965 is replaced by lysine, an amino acid with similar properties. This amino acid position is conserved. In addition, this alteration is predicted to be tolerated by in silico analysis. Based on the available evidence, the clinical significance of this variant remains unclear.